The following is an entry in ClinVar:

NM_001211.6(BUB1B):c.2885T>C (p.Leu962Ser)

Genes: BUB1B (BUB1 mitotic checkpoint serine/threonine kinase B; plus strand), BUB1B-PAK6 (BUB1B-PAK6 readthrough; plus strand). Cytogenetic location: 15q15.1.
Variant type: single nucleotide variant.
Coding change: c.2885T>C on transcript NM_001211.6 (MANE Select); coding-DNA position 2885, T replaced by C.
Protein change: p.Leu962Ser; replaces leucine 962 with serine.
Molecular consequence: missense variant. On other transcripts: intron variant (2).
Genome position (GRCh38, 1-based): chr15:40,218,490, T>C. VCF-style: chr15-40218490-T-C. GRCh37 (hg19) VCF-style: chr15-40510691-T-C.
Other names: c.-201+823T>C (NM_001128628.3); c.-118+823T>C (NM_001128629.3); short protein forms L962S.
Identifiers: ClinVar variation 2752270 (VCV002752270.4), dbSNP rs2542587564, ClinGen allele CA391688249.

ClinVar aggregate classification (germline): Uncertain significance. Review status: criteria provided, multiple submitters, no conflicts (2 of 4 stars). 2 submissions from 2 submitters: Uncertain significance (2). Last evaluated 2025-09-20.

Conditions:
Mosaic variegated aneuploidy syndrome 1 (MVA1). Also called: Warburton-Anyane-Yeboa syndrome. Identifiers: Orphanet 1052, MedGen C1850343, MONDO:0009759, OMIM 257300.
Inborn genetic diseases. Identifiers: MedGen C0950123, MeSH D030342.

Allele frequency attached by ClinVar (database versions not stated): gnomAD exomes below 0.00001.
gnomAD v4.1: 1 of 1,614,116 alleles (0.000062%); highest among the groups gnomAD compares: Non-Finnish European, 0.000085%; no homozygotes.

Submissions (2):

Ambry Genetics
Classification: Uncertain significance for Inborn genetic diseases. Last evaluated: 2025-09-20. Review status: criteria provided, single submitter. Criteria: Ambry Variant Classification Scheme 2023. Collection method: clinical testing. Allele origin: germline.
Comment: The p.L962S variant (also known as c.2885T>C), located in coding exon 22 of the BUB1B gene, results from a T to C substitution at nucleotide position 2885. The leucine at codon 962 is replaced by serine, an amino acid with dissimilar properties. This amino acid position is conserved. In addition, the in silico prediction for this alteration is inconclusive. Based on the available evidence, the clinical significance of this variant remains unclear.

Labcorp Genetics (formerly Invitae), Labcorp
Classification: Uncertain significance for Mosaic variegated aneuploidy syndrome 1. Last evaluated: 2023-09-21. Review status: criteria provided, single submitter. Criteria: Invitae Variant Classification Sherloc (09022015). Collection method: clinical testing. Allele origin: germline.
Comment: An algorithm developed to predict the effect of missense changes on protein structure and function (PolyPhen-2) suggests that this variant is likely to be disruptive. In summary, the available evidence is currently insufficient to determine the role of this variant in disease. Therefore, it has been classified as a Variant of Uncertain Significance. This variant has not been reported in the literature in individuals affected with BUB1B-related conditions. This variant is not present in population databases (gnomAD no frequency). This sequence change replaces leucine, which is neutral and non-polar, with serine, which is neutral and polar, at codon 962 of the BUB1B protein (p.Leu962Ser).